The following is an entry in ClinVar:

ClinVar aggregate classification (germline): Pathogenic. Review status: criteria provided, single submitter (1 of 4 stars). 2 submissions from 2 submitters: Pathogenic (1). 1 of the submissions does not count toward it. Last evaluated 2026-08-20.

Conditions:
Lamb-Shaffer syndrome. Identifiers: Orphanet 313884, Orphanet 313892, Orphanet 530983, MedGen C4225202, MONDO:0014778, OMIM 616803.

Submissions (2):

GeneDx
Classification: Pathogenic. Last evaluated: 2026-08-20. Review status: criteria provided, single submitter. Criteria: GeneDx Variant Classification Process June 2021. Collection method: clinical testing. Allele origin: germline.
Comment: Published functional studies demonstrate variants in the HMG domain, such as Y605C, prevent SOX5 from binding DNA and participating in transcriptional activation (PMID: 31578471); In silico analysis supports that this missense variant has a deleterious effect on protein structure/function; Not observed at significant frequency in large population cohorts (gnomAD); This variant is associated with the following publications: (PMID: 31578471)

Institute for Human Genetics, University Hospital Essen
Classification: Pathogenic for Lamb-Shaffer syndrome. Last evaluated: 2019-08-05. Review status: no assertion criteria provided. Collection method: clinical testing. Allele origin: de novo. Inheritance: Autosomal dominant inheritance. Affected: yes. Not counted in ClinVar's aggregate classification.

NM_006940.6(SOX5):c.1814A>G (p.Tyr605Cys)

Gene: SOX5 (SRY-box transcription factor 5; minus strand). Cytogenetic location: 12p12.1.
Variant type: single nucleotide variant.
Coding change: c.1814A>G on transcript NM_006940.6 (MANE Select); coding-DNA position 1814, A replaced by G.
Protein change: p.Tyr605Cys; replaces tyrosine 605 with cysteine.
Molecular consequence: missense variant.
Genome position (GRCh38, 1-based): chr12:23,536,627, T>C on the plus strand (A>G on the coding strand, the complement: SOX5 is on the minus strand). VCF-style: chr12-23536627-T-C. GRCh37 (hg19) VCF-style: chr12-23689561-T-C.
Other names: c.1451A>G, p.Tyr484Cys (NM_001261414.3); c.1784A>G, p.Tyr595Cys (NM_001261415.3); c.1709A>G, p.Tyr570Cys (NM_001330785.2); c.1775A>G, p.Tyr592Cys (NM_152989.5); c.656A>G, p.Tyr219Cys (NM_178010.4); c.1814A>G (NM_006940.4); short protein forms Y605C, Y219C, Y484C, Y570C, Y592C, Y595C.
Identifiers: ClinVar variation 695087 (VCV000695087.4), dbSNP rs1591833522, ClinGen allele CA384319563.